The following is an entry in ClinVar:

NM_016539.4(SIRT6):c.615-8G>A

Gene: SIRT6 (sirtuin 6; minus strand). Cytogenetic location: 19p13.3.
Variant type: single nucleotide variant.
Coding change: c.615-8G>A on transcript NM_016539.4 (MANE Select); 8 bases into the intron before coding-DNA position 615, G replaced by A.
Molecular consequence: intron variant.
Genome position (GRCh38, 1-based): chr19:4,175,159, C>T on the plus strand (G>A on the coding strand, the complement: SIRT6 is on the minus strand). VCF-style: chr19-4175159-C-T. GRCh37 (hg19) VCF-style: chr19-4175156-C-T.
Other names: NM_001321064.2:c.399-48G>A; c.210-8G>A (NM_001321062.2); c.318-8G>A (NM_001321061.2); c.399-8G>A (NM_001321058.2); c.432-48G>A (NM_001321063.2); c.432-8G>A (NM_001321059.2); c.534-8G>A (NM_001193285.3); c.615-48G>A (NM_001321060.2); and 1 more.
Identifiers: ClinVar variation 3385352 (VCV003385352.1).

ClinVar aggregate classification (germline): Uncertain significance (1 of 4 stars; one submission).

Conditions:
Syndromic complex neurodevelopmental disorder. Identifiers: MedGen CN372091, MONDO:0800439.

Submission:

Broad Center for Mendelian Genomics, Broad Institute of MIT and Harvard
Classification: Uncertain significance for Syndromic complex neurodevelopmental disorder. Last evaluated: 2024-12-11. Review status: criteria provided, single submitter. Criteria: ACMG Guidelines, 2015. Collection method: curation. Allele origin: germline. Inheritance: Autosomal recessive inheritance. Study: GREGoR Consortium.
Comment: The heterozygous c.615-8G>A variant in SIRT6 was identified by our study, in the compound heterozygous state, in 2 siblings with syndromic complex neurodevelopmental disorder. While this gene is still lacking sufficient evidence to establish a gene-disease relationship, we believe this is a possible novel gene candidate for syndromic complex neurodevelopmental disorder. Given the limited information about this gene-disease relationship, the significance of the c.615-8G>A variant is uncertain. If you have any additional information about functional evidence or other individuals with this phenotype that also have variants in SIRT6 we encourage you to reach out to us.